The following is an entry in ClinVar:

NM_006767.4(LZTR1):c.1960G>A (p.Asp654Asn)

Gene: LZTR1 (leucine zipper like post translational regulator 1; plus strand). Cytogenetic location: 22q11.21.
Variant type: single nucleotide variant.
Coding change: c.1960G>A on transcript NM_006767.4 (MANE Select); coding-DNA position 1960, G replaced by A.
Protein change: p.Asp654Asn; replaces aspartic acid 654 with asparagine.
Molecular consequence: missense variant.
Genome position (GRCh38, 1-based): chr22:20,995,763, G>A. VCF-style: chr22-20995763-G-A. GRCh37 (hg19) VCF-style: chr22-21350052-G-A.
Other names: short protein forms D654N.
Identifiers: ClinVar variation 1783426 (VCV001783426.6), dbSNP rs1924812950, ClinGen allele CA410778958.

ClinVar aggregate classification (germline): Conflicting classifications of pathogenicity. Review status: criteria provided, conflicting classifications (1 of 4 stars). 2 submissions from 2 submitters: Uncertain significance (1); Likely benign (1). Last evaluated 2025-11-10.

Conditions:
Hereditary cancer-predisposing syndrome. Also called: Neoplastic Syndromes, Hereditary; Tumor predisposition; Hereditary Cancer Syndrome; Hereditary neoplastic syndrome. Identifiers: Orphanet 140162, MedGen C0027672, MeSH D009386, MONDO:0015356.
Cardiovascular phenotype. Identifiers: MedGen CN230736.

Allele frequency attached by ClinVar (database versions not stated): TOPMed 0.00001.
gnomAD v4.1: 2 of 1,613,610 alleles (0.00012%); highest among the groups gnomAD compares: Non-Finnish European, 0.000085%; no homozygotes.

Submissions (2):

Labcorp Genetics (formerly Invitae), Labcorp
Classification: Uncertain significance. Last evaluated: 2025-11-10. Review status: criteria provided, single submitter. Criteria: Invitae Variant Classification Sherloc (09022015). Collection method: clinical testing. Allele origin: germline.
Comment: This sequence change replaces aspartic acid, which is acidic and polar, with asparagine, which is neutral and polar, at codon 654 of the LZTR1 protein (p.Asp654Asn). This variant is not present in population databases (gnomAD no frequency). This variant has not been reported in the literature in individuals affected with LZTR1-related conditions. ClinVar contains an entry for this variant (Variation ID: 1783426). Invitae Evidence Modeling of protein sequence and biophysical properties (such as structural, functional, and spatial information, amino acid conservation, physicochemical variation, residue mobility, and thermodynamic stability) indicates that this missense variant is not expected to disrupt LZTR1 protein function with a negative predictive value of 80%. In summary, the available evidence is currently insufficient to determine the role of this variant in disease. Therefore, it has been classified as a Variant of Uncertain Significance.

Ambry Genetics
Classification: Likely benign for Cardiovascular phenotype; Hereditary cancer-predisposing syndrome. Last evaluated: 2025-08-14. Review status: criteria provided, single submitter. Criteria: Ambry Variant Classification Scheme 2023. Collection method: clinical testing. Allele origin: germline.